The following is an entry in ClinVar:

ClinVar aggregate classification (germline): Uncertain significance (1 of 4 stars; one submission).

Conditions:
Hereditary cancer-predisposing syndrome. Also called: Neoplastic Syndromes, Hereditary; Tumor predisposition; Hereditary Cancer Syndrome; Hereditary neoplastic syndrome. Identifiers: Orphanet 140162, MedGen C0027672, MeSH D009386, MONDO:0015356.

Submission:

Ambry Genetics
Classification: Uncertain significance for Hereditary cancer-predisposing syndrome. Last evaluated: 2022-08-23. Review status: criteria provided, single submitter. Criteria: Ambry Variant Classification Scheme 2023. Collection method: clinical testing. Allele origin: germline.
Comment: The p.S614P variant (also known as c.1840T>C), located in coding exon 4 of the MSH6 gene, results from a T to C substitution at nucleotide position 1840. The serine at codon 614 is replaced by proline, an amino acid with similar properties. This amino acid position is not well conserved in available vertebrate species. In addition, this alteration is predicted to be tolerated by in silico analysis. Since supporting evidence is limited at this time, the clinical significance of this alteration remains unclear.

NM_000179.3(MSH6):c.1840T>C (p.Ser614Pro)

Gene: MSH6 (mutS homolog 6; plus strand). Cytogenetic location: 2p16.3.
Variant type: single nucleotide variant.
Coding change: c.1840T>C on transcript NM_000179.3 (MANE Select); coding-DNA position 1840, T replaced by C.
Protein change: p.Ser614Pro; replaces serine 614 with proline.
Molecular consequence: missense variant.
Genome position (GRCh38, 1-based): chr2:47,799,823, T>C. VCF-style: chr2-47799823-T-C. GRCh37 (hg19) VCF-style: chr2-48026962-T-C.
Other names: c.1450T>C, p.Ser484Pro (NM_001281492.2); c.934T>C, p.Ser312Pro (NM_001281493.2, NM_001281494.2, NM_001406811.1 and 6 more transcripts); c.1936T>C, p.Ser646Pro (NM_001406795.1, NM_001406802.1); c.1840T>C, p.Ser614Pro (NM_001406796.1, NM_001406798.1, NM_001406800.1 and 3 more transcripts); c.1543T>C, p.Ser515Pro (NM_001406797.1, NM_001406801.1, NM_001406805.1 and 10 more transcripts); c.1315T>C, p.Ser439Pro (NM_001406799.1, NM_001406806.1, NM_001406807.1); c.1762T>C, p.Ser588Pro (NM_001406804.1); c.1846T>C, p.Ser616Pro (NM_001406813.1); and 1 more; short protein forms S515P, S614P, S616P, S558P, S439P, S484P, S646P, S312P.
Identifiers: ClinVar variation 1781156 (VCV001781156.2), dbSNP rs2530633493, ClinGen allele CA346749611.